The following is an entry in ClinVar:

NM_032119.4(ADGRV1):c.16841C>T (p.Thr5614Ile)

Gene: ADGRV1 (adhesion G protein-coupled receptor V1; plus strand). Cytogenetic location: 5q14.3.
Variant type: single nucleotide variant.
Coding change: c.16841C>T on transcript NM_032119.4 (MANE Select); coding-DNA position 16841, C replaced by T.
Protein change: p.Thr5614Ile; replaces threonine 5614 with isoleucine.
Molecular consequence: missense variant. On other transcripts: non-coding transcript variant (1).
Genome position (GRCh38, 1-based): chr5:90,840,807, C>T. VCF-style: chr5-90840807-C-T. GRCh37 (hg19) VCF-style: chr5-90136624-C-T.
Other names: short protein forms T5614I.
Identifiers: ClinVar variation 46287 (VCV000046287.17), dbSNP rs149544995, ClinGen allele CA138061.

ClinVar aggregate classification (germline): Benign/Likely benign. Review status: criteria provided, multiple submitters, no conflicts (2 of 4 stars). 5 submissions from 5 submitters: Benign (4); Likely benign (1). Last evaluated 2026-02-01.

Conditions:
Usher syndrome type 2C. Also called: Usher syndrome, type 2B; USHER SYNDROME, TYPE IIC. Identifiers: Orphanet 231178, Orphanet 886, MedGen C2931213, MONDO:0011558, OMIM 605472.
Febrile seizures, familial, 4 (FEB4). Also called: CONVULSIONS, FAMILIAL FEBRILE, 4. Identifiers: MedGen C1858493, MONDO:0011443, OMIM 604352.

Allele frequency attached by ClinVar (database versions not stated): ESP Exome Variant Server 0.00025; gnomAD 0.00081 and 0.00082; gnomAD exomes 0.00089 and 0.00451; 1000 Genomes Project 30x 0.00094; 1000 Genomes Project 0.00100; TOPMed 0.00224; ExAC 0.00362.
gnomAD v4.1: 1,400 of 1,613,900 alleles (0.087%); highest among the groups gnomAD compares: Admixed American, 2.3%; 23 homozygotes.

Submissions (5):

Labcorp Genetics (formerly Invitae), Labcorp
Classification: Benign. Last evaluated: 2026-02-01. Review status: criteria provided, single submitter. Criteria: Invitae Variant Classification Sherloc (09022015). Collection method: clinical testing. Allele origin: germline.

Mayo Clinic Laboratories, Mayo Clinic
Classification: Benign. Last evaluated: 2024-11-06. Review status: criteria provided, single submitter. Criteria: ACMG Guidelines, 2015. Collection method: clinical testing. Allele origin: germline. Observed: 1 variant allele.
Comment: BA1, BS2

Fulgent Genetics
Classification: Likely benign for Febrile seizures, familial, 4; Usher syndrome type 2C. Last evaluated: 2021-09-07. Review status: criteria provided, single submitter. Criteria: ACMG Guidelines, 2015. Collection method: clinical testing. Allele origin: unknown.

GeneDx
Classification: Benign. Last evaluated: 2017-03-22. Review status: criteria provided, single submitter. Criteria: GeneDx Variant Classification (06012015). Collection method: clinical testing. Allele origin: germline. Affected: yes.
Comment: This variant is considered likely benign or benign based on one or more of the following criteria: it is a conservative change, it occurs at a poorly conserved position in the protein, it is predicted to be benign by multiple in silico algorithms, and/or has population frequency not consistent with disease.

Laboratory for Molecular Medicine, Mass General Brigham Personalized Medicine
Classification: Benign. Last evaluated: 2017-01-31. Review status: criteria provided, single submitter. Criteria: LMM Criteria. Collection method: clinical testing. Allele origin: germline. Observed: 7 variant alleles.
Comment: p.Thr5614Ile in exon 78 of GPR98: This variant is not expected to have clinical significance because it has been identified in 3.7% (428/11554 ) of Latino chrom osomes by the Exome Aggregation Consortium (ExAC ; dbSNP rs149544995).